The following is an entry in ClinVar:

ClinVar aggregate classification (germline): Uncertain significance. Review status: criteria provided, multiple submitters, no conflicts (2 of 4 stars). 2 submissions from 2 submitters: Uncertain significance (2). Last evaluated 2023-07-07.

Allele frequency attached by ClinVar (database versions not stated): gnomAD exomes below 0.00001; TOPMed below 0.00001; gnomAD 0.00001.
gnomAD v4.1: 2 of 1,551,556 alleles (0.00013%); highest among the groups gnomAD compares: Non-Finnish European, 0.00017%; no homozygotes.

Submissions (2):

Greenwood Genetic Center Diagnostic Laboratories, Greenwood Genetic Center
Classification: Uncertain significance. Last evaluated: 2023-07-07. Review status: criteria provided, single submitter. Criteria: ACMG Guidelines, 2015. Collection method: clinical testing. Allele origin: germline. Affected: yes.
Comment: PM2

Ambry Genetics
Classification: Uncertain significance. Last evaluated: 2022-12-01. Review status: criteria provided, single submitter. Criteria: Ambry Variant Classification Scheme 2023. Collection method: clinical testing. Allele origin: germline.

NM_138775.3(ALKBH8):c.1100C>A (p.Ala367Asp)

Gene: ALKBH8 (alkB homolog 8, tRNA methyltransferase; minus strand). Cytogenetic location: 11q22.3.
Variant type: single nucleotide variant.
Coding change: c.1100C>A on transcript NM_138775.3 (MANE Select); coding-DNA position 1100, C replaced by A.
Protein change: p.Ala367Asp; replaces alanine 367 with aspartic acid.
Molecular consequence: missense variant. On other transcripts: non-coding transcript variant (5).
Genome position (GRCh38, 1-based): chr11:107,522,486, G>T on the plus strand (C>A on the coding strand, the complement: ALKBH8 is on the minus strand). VCF-style: chr11-107522486-G-T. GRCh37 (hg19) VCF-style: chr11-107393212-G-T.
Other names: c.1100C>A, p.Ala367Asp (NM_001301010.3, NM_001378133.1); c.1109C>A (NM_001301010.2); short protein forms A367D.
Identifiers: ClinVar variation 2330904 (VCV002330904.3), dbSNP rs1191859660, ClinGen allele CA382501169.